The following is an entry in ClinVar:

NM_005585.5(SMAD6):c.1396A>C (p.Ile466Leu)

Gene: SMAD6 (SMAD family member 6; plus strand). Cytogenetic location: 15q22.31.
Variant type: single nucleotide variant.
Coding change: c.1396A>C on transcript NM_005585.5 (MANE Select); coding-DNA position 1396, A replaced by C.
Protein change: p.Ile466Leu; replaces isoleucine 466 with leucine.
Molecular consequence: missense variant. On other transcripts: non-coding transcript variant (1).
Genome position (GRCh38, 1-based): chr15:66,781,440, A>C. VCF-style: chr15-66781440-A-C. GRCh37 (hg19) VCF-style: chr15-67073778-A-C.
Other names: short protein forms I466L.
Identifiers: ClinVar variation 2913987 (VCV002913987.3), dbSNP rs2541899740, ClinGen allele CA393202444.

ClinVar aggregate classification (germline): Uncertain significance (1 of 4 stars; one submission).

Conditions:
Aortic valve disease 2 (AOVD2). Identifiers: MedGen C3542024, MONDO:0013902, OMIM 614823.

Allele frequency attached by ClinVar (database versions not stated): gnomAD exomes below 0.00001.

Submission:

Labcorp Genetics (formerly Invitae), Labcorp
Classification: Uncertain significance for Aortic valve disease 2. Last evaluated: 2022-11-14. Review status: criteria provided, single submitter. Criteria: Invitae Variant Classification Sherloc (09022015). Collection method: clinical testing. Allele origin: germline.
Comment: This variant has not been reported in the literature in individuals affected with SMAD6-related conditions. This sequence change replaces isoleucine, which is neutral and non-polar, with leucine, which is neutral and non-polar, at codon 466 of the SMAD6 protein (p.Ile466Leu). This variant is not present in population databases (gnomAD no frequency). Advanced modeling of protein sequence and biophysical properties (such as structural, functional, and spatial information, amino acid conservation, physicochemical variation, residue mobility, and thermodynamic stability) performed at Invitae indicates that this missense variant is not expected to disrupt SMAD6 protein function. In summary, the available evidence is currently insufficient to determine the role of this variant in disease. Therefore, it has been classified as a Variant of Uncertain Significance.